The following is an entry in ClinVar:

ClinVar aggregate classification (germline): Uncertain significance (1 of 4 stars; one submission).

Conditions:
Hereditary cancer-predisposing syndrome. Also called: Hereditary neoplastic syndrome; Neoplastic Syndromes, Hereditary; Tumor predisposition; Hereditary Cancer Syndrome. Identifiers: Orphanet 140162, MedGen C0027672, MeSH D009386, MONDO:0015356.

Submission:

Ambry Genetics
Classification: Uncertain significance for Hereditary cancer-predisposing syndrome. Last evaluated: 2025-08-27. Review status: criteria provided, single submitter. Criteria: Ambry Variant Classification Scheme 2023. Collection method: clinical testing. Allele origin: germline.
Comment: The p.A231P variant (also known as c.691G>C) is located in coding exon 9 of the MUTYH gene. The alanine at codon 231 is replaced by proline, an amino acid with highly similar properties. This change occurs in the first base pair of coding exon 9. This amino acid position is conserved. In addition, the in silico prediction for this alteration is inconclusive. Based on the available evidence, the clinical significance of this variant remains unclear.

NM_001048174.2(MUTYH):c.607G>C (p.Ala203Pro)

Gene: MUTYH (mutY DNA glycosylase; minus strand). Cytogenetic location: 1p34.1.
Variant type: single nucleotide variant.
Coding change: c.607G>C on transcript NM_001048174.2 (MANE Select); coding-DNA position 607, G replaced by C.
Protein change: p.Ala203Pro; replaces alanine 203 with proline.
Molecular consequence: missense variant. On other transcripts: non-coding transcript variant (7).
Genome position (GRCh38, 1-based): chr1:45,332,488, C>G on the plus strand (G>C on the coding strand, the complement: MUTYH is on the minus strand). VCF-style: chr1-45332488-C-G. GRCh37 (hg19) VCF-style: chr1-45798160-C-G.
Other names: c.262G>C, p.Ala88Pro (NM_001350650.2, NM_001350651.2, NM_001407082.1); c.640G>C, p.Ala214Pro (NM_001407069.1, NM_001293191.2, NM_001407077.1); c.607G>C, p.Ala203Pro (NM_001407070.1, NM_001407088.1, NM_001407089.1 and 6 more transcripts); c.610G>C, p.Ala204Pro (NM_001407071.1, NM_001407086.1, NM_001048172.2 and 1 more transcripts); c.649G>C, p.Ala217Pro (NM_001407085.1, NM_001407083.1); c.628G>C, p.Ala210Pro (NM_001407087.1); c.331G>C, p.Ala111Pro (NM_001407091.1, NM_001293192.2, NM_001293196.2); c.682G>C, p.Ala228Pro (NM_012222.3); and 5 more; short protein forms A189P, A228P, A175P, A204P, A214P, A218P, A231P, A88P.
Identifiers: ClinVar variation 4113796 (VCV004113796.1).